The following is an entry in ClinVar:

NM_001394062.1(MACF1):c.15374A>G (p.His5125Arg)

Gene: MACF1 (microtubule actin crosslinking factor 1; plus strand). Cytogenetic location: 1p34.3.
Variant type: single nucleotide variant.
Coding change: c.15374A>G on transcript NM_001394062.1 (MANE Select); coding-DNA position 15374, A replaced by G.
Protein change: p.His5125Arg; replaces histidine 5125 with arginine.
Molecular consequence: missense variant.
Genome position (GRCh38, 1-based): chr1:39,388,216, A>G. VCF-style: chr1-39388216-A-G. GRCh37 (hg19) VCF-style: chr1-39853888-A-G.
Other names: c.9188A>G, p.His3063Arg (NM_012090.5); short protein forms H3063R, H5125R.
Identifiers: ClinVar variation 2446678 (VCV002446678.1), dbSNP rs2522643860, ClinGen allele CA339745215.

ClinVar aggregate classification (germline): Uncertain significance (1 of 4 stars; one submission).

Allele frequency attached by ClinVar (database versions not stated): gnomAD exomes 0.00001.
gnomAD v4.1: 9 of 1,614,180 alleles (0.00056%); highest among the groups gnomAD compares: Admixed American, 0.0017%; no homozygotes.

Submission:

GeneDx
Classification: Uncertain significance. Last evaluated: 2022-09-21. Review status: criteria provided, single submitter. Criteria: GeneDx Variant Classification Process June 2021. Collection method: clinical testing. Allele origin: germline. Affected: yes.
Comment: Not observed at significant frequency in large population cohorts (gnomAD); In silico analysis supports that this missense variant has a deleterious effect on protein structure/function; Has not been previously published as pathogenic or benign to our knowledge